The following is an entry in ClinVar:

ClinVar aggregate classification (germline): Uncertain significance. Review status: criteria provided, multiple submitters, no conflicts (2 of 4 stars). 2 submissions from 2 submitters: Uncertain significance (2). Last evaluated 2024-08-14.

Conditions:
Fraser syndrome 1 (FRASRS1). Also called: CRYPTOPHTHALMOS WITH OTHER MALFORMATIONS. Identifiers: Orphanet 2052, MedGen C4551480, MONDO:0054737, OMIM 219000.

Allele frequency attached by ClinVar (database versions not stated): gnomAD 0.00004; TOPMed 0.00005; ExAC 0.00006; gnomAD exomes 0.00012; ESP Exome Variant Server 0.00017.
gnomAD v4.1: 171 of 1,561,768 alleles (0.011%); highest among the groups gnomAD compares: South Asian, 0.014%; 1 homozygote.

Submissions (2):

Labcorp Genetics (formerly Invitae), Labcorp
Classification: Uncertain significance. Last evaluated: 2024-08-14. Review status: criteria provided, single submitter. Criteria: Invitae Variant Classification Sherloc (09022015). Collection method: clinical testing. Allele origin: germline.
Comment: This sequence change replaces arginine, which is basic and polar, with cysteine, which is neutral and slightly polar, at codon 1891 of the FRAS1 protein (p.Arg1891Cys). This variant is present in population databases (rs373573150, gnomAD 0.02%). This variant has not been reported in the literature in individuals affected with FRAS1-related conditions. ClinVar contains an entry for this variant (Variation ID: 2138521). Invitae Evidence Modeling of protein sequence and biophysical properties (such as structural, functional, and spatial information, amino acid conservation, physicochemical variation, residue mobility, and thermodynamic stability) indicates that this missense variant is expected to disrupt FRAS1 protein function with a positive predictive value of 80%. In summary, the available evidence is currently insufficient to determine the role of this variant in disease. Therefore, it has been classified as a Variant of Uncertain Significance.

Fulgent Genetics
Classification: Uncertain significance for Fraser syndrome 1. Last evaluated: 2024-01-06. Review status: criteria provided, single submitter. Criteria: ACMG Guidelines, 2015. Collection method: clinical testing. Allele origin: germline.

NM_025074.7(FRAS1):c.5671C>T (p.Arg1891Cys)

Gene: FRAS1 (Fraser extracellular matrix complex subunit 1; plus strand). Cytogenetic location: 4q21.21.
Variant type: single nucleotide variant.
Coding change: c.5671C>T on transcript NM_025074.7 (MANE Select); coding-DNA position 5671, C replaced by T.
Protein change: p.Arg1891Cys; replaces arginine 1891 with cysteine.
Molecular consequence: missense variant.
Genome position (GRCh38, 1-based): chr4:78,445,527, C>T. VCF-style: chr4-78445527-C-T. GRCh37 (hg19) VCF-style: chr4-79366681-C-T.
Other names: c.5671C>T, p.Arg1891Cys (NM_001166133.2); short protein forms R1891C.
Identifiers: ClinVar variation 2138521 (VCV002138521.4), dbSNP rs373573150, ClinGen allele CA2977588.
Genomic context (GRCh38, chr4:78,445,527, plus strand): 5'-TAGTAAGCAGGAATTGATAGATCAAGGTAAAAATGCTCTCTTGATGTTGATGCAGGTGAT[C>T]GTTTTGGCCCTGAAACTGCCAGTGACCTAGAGGCATCATTTCCTATTCAAGACGTCCTGG-3'
Protein context (NP_079350.5, residues 1881-1901): GCIENTGTGD[Arg1891Cys]FGPETASDLE